The following is an entry in ClinVar:

NC_000004.12:g.(?_2059492)_(2833854_?)del

Genes: MXD4 (MAX dimerization protein 4; minus strand), FAM193A (family with sequence similarity 193 member A; plus strand), HAUS3 (HAUS augmin like complex subunit 3; minus strand), NAT8L (N-acetyltransferase 8 like; plus strand), POLN (DNA polymerase nu; minus strand) and 4 more. Cytogenetic location: 4p16.3.
Variant type: Deletion.
Identifiers: ClinVar variation 832912 (VCV000832912.1).

ClinVar aggregate classification (germline): Uncertain significance (1 of 4 stars; one submission).

Conditions:
Fibrous dysplasia of jaw (CRBM). Also called: Cherubism. Identifiers: Orphanet 184, MedGen C0008029, MONDO:0007315, OMIM 118400.

Submission:

Labcorp Genetics (formerly Invitae), Labcorp
Classification: Uncertain significance for Fibrous dysplasia of jaw. Last evaluated: 2019-07-15. Review status: criteria provided, single submitter. Criteria: Invitae Variant Classification Sherloc (09022015). Collection method: clinical testing. Allele origin: germline.
Comment: A gross deletion of the genomic region encompassing the full coding sequence of the SH3BP2 gene has been identified. The boundaries of this event are unknown as the deletion extends beyond the assayed region for this gene and therefore may encompass additional genes. This variant has not been reported in the literature in individuals with SH3BP2-related conditions. The current clinical and genetic evidence is not sufficient to establish whether loss-of-function variants in SH3BP2 cause disease. In summary, the available evidence is currently insufficient to determine the role of this variant in disease. Therefore, it has been classified as a Variant of Uncertain Significance.